The following is an entry in ClinVar:

ClinVar aggregate classification (germline): Uncertain significance (1 of 4 stars; one submission).

Allele frequency attached by ClinVar (database versions not stated): gnomAD 0.00003; TOPMed 0.00006.
gnomAD v4.1: 11 of 1,608,268 alleles (0.00068%); highest among the groups gnomAD compares: African/African-American, 0.015%; no homozygotes.

Submission:

Labcorp Genetics (formerly Invitae), Labcorp
Classification: Uncertain significance. Last evaluated: 2023-07-02. Review status: criteria provided, single submitter. Criteria: Invitae Variant Classification Sherloc (09022015). Collection method: clinical testing. Allele origin: germline.
Comment: In summary, the available evidence is currently insufficient to determine the role of this variant in disease. Therefore, it has been classified as a Variant of Uncertain Significance. Algorithms developed to predict the effect of sequence changes on RNA splicing suggest that this variant may create or strengthen a splice site. This variant has not been reported in the literature in individuals affected with MAST1-related conditions. This variant is present in population databases (no rsID available, gnomAD 0.01%). This sequence change falls in intron 24 of the MAST1 gene. It does not directly change the encoded amino acid sequence of the MAST1 protein.

NM_014975.3(MAST1):c.3264-17C>G

Gene: MAST1 (microtubule associated serine/threonine kinase 1; plus strand). Cytogenetic location: 19p13.13.
Variant type: single nucleotide variant.
Coding change: c.3264-17C>G on transcript NM_014975.3 (MANE Select); 17 bases into the intron before coding-DNA position 3264, C replaced by G.
Molecular consequence: intron variant.
Genome position (GRCh38, 1-based): chr19:12,873,307, C>G. VCF-style: chr19-12873307-C-G. GRCh37 (hg19) VCF-style: chr19-12984121-C-G.
Identifiers: ClinVar variation 2871411 (VCV002871411.3), dbSNP rs934454636, ClinGen allele CA305495726.